The following is an entry in ClinVar:

NM_152564.5(VPS13B):c.5220+3_5220+5del

Gene: VPS13B (vacuolar protein sorting 13 homolog B; plus strand). Cytogenetic location: 8q22.2.
Variant type: Deletion.
Coding change: c.5220+3_5220+5del on transcript NM_152564.5 (MANE Select); bases 3 to 5 of the intron after coding-DNA position 5220, 3 bases deleted (AAC; older notation c.5220+3_5220+5delAAC).
Molecular consequence: intron variant.
Genome position (GRCh38, 1-based): chr8:99,577,636-99,577,638, AAC deleted. VCF-style (leftmost placement, unchanged base first): chr8-99577635-TAAC-T. GRCh37 (hg19) VCF-style: chr8-100589863-TAAC-T.
Other names: c.5220+3_5220+5delAAC (NM_152564.4); c.5295+3_5295+5del (NM_017890.5).
Identifiers: ClinVar variation 2088994 (VCV002088994.3), dbSNP rs759095135, ClinGen allele CA4823775.

ClinVar aggregate classification (germline): Conflicting classifications of pathogenicity. Review status: criteria provided, conflicting classifications (1 of 4 stars). 3 submissions from 3 submitters: Likely pathogenic (1); Uncertain significance (2). Last evaluated 2025-10-15.

Conditions:
VPS13B-related disorder. Also called: VPS13B-related condition.
Cohen syndrome (COH1). Also called: PEPPER SYNDROME; Cutis verticis gyrata, retinitis pigmentosa, and sensorineural deafness. Identifiers: Orphanet 193, MedGen C0265223, MONDO:0008999, OMIM 216550.

Allele frequency attached by ClinVar (database versions not stated): gnomAD exomes below 0.00001; ExAC 0.00001; gnomAD 0.00001; TOPMed 0.00002.

Submissions (3):

PreventionGenetics, part of Exact Sciences
Classification: Uncertain significance for VPS13B-related condition. Last evaluated: 2025-10-15. Review status: criteria provided, single submitter. Criteria: ACMG Guidelines, 2015. Collection method: clinical testing. Allele origin: germline.
Comment: The VPS13B c.5220+3_5220+5delAAC variant is predicted to result in an intronic deletion. To our knowledge, this variant has not been reported in the literature. This variant is reported in 0.0080% of alleles in individuals of African descent in gnomAD. This variant is predicted to alter splicing based on available splicing prediction programs (SpliceAI, Jaganathan et al. 2019. PubMed ID: 30661751). At this time, the clinical significance of this variant is uncertain due to the absence of conclusive functional and genetic evidence.

GeneDx
Classification: Likely pathogenic. Last evaluated: 2025-03-24. Review status: criteria provided, single submitter. Criteria: GeneDx Variant Classification Process June 2021. Collection method: clinical testing. Allele origin: germline. Affected: yes.
Comment: In silico analysis supports a deleterious effect on splicing; Has not been previously published as pathogenic or benign to our knowledge; Not observed at a significant frequency in large population cohorts (gnomAD)

Labcorp Genetics (formerly Invitae), Labcorp
Classification: Uncertain significance for Cohen syndrome. Last evaluated: 2022-10-03. Review status: criteria provided, single submitter. Criteria: Invitae Variant Classification Sherloc (09022015). Collection method: clinical testing. Allele origin: germline.
Comment: This sequence change falls in intron 33 of the VPS13B gene. It does not directly change the encoded amino acid sequence of the VPS13B protein. It affects a nucleotide within the consensus splice site. This variant is present in population databases (rs759095135, gnomAD 0.008%). This variant has not been reported in the literature in individuals affected with VPS13B-related conditions. Variants that disrupt the consensus splice site are a relatively common cause of aberrant splicing (PMID: 17576681, 9536098). Algorithms developed to predict the effect of sequence changes on RNA splicing suggest that this variant may disrupt the consensus splice site. In summary, the available evidence is currently insufficient to determine the role of this variant in disease. Therefore, it has been classified as a Variant of Uncertain Significance.

Literature cited by the submitters: PubMed 17576681 (cited by Labcorp Genetics (formerly Invitae), Labcorp); PubMed 9536098 (cited by Labcorp Genetics (formerly Invitae), Labcorp).